The following is an entry in ClinVar:

ClinVar aggregate classification (germline): Benign/Likely benign. Review status: criteria provided, multiple submitters, no conflicts (2 of 4 stars). 6 submissions from 6 submitters: Benign (4); Likely benign (1). 1 of the submissions does not count toward it. Last evaluated 2026-02-01.

Conditions:
Choroideremia. Also called: Chorioretinal scalloped atrophy. Identifiers: Orphanet 180, MedGen C0008525, MONDO:0010557, OMIM 303100, HP:0001139.

Allele frequency attached by ClinVar (database versions not stated): 1000 Genomes Project 0.00742; 1000 Genomes Project 30x 0.00832; gnomAD 0.01242 and 0.01253; TOPMed 0.01263; ESP Exome Variant Server 0.01335; gnomAD exomes 0.01367 and 0.01781; ExAC 0.01456.
gnomAD v4.1: 20,802 of 1,204,990 alleles (1.7%); highest among the groups gnomAD compares: Non-Finnish European, 2%; 164 homozygotes.

Submissions (20):

Labcorp Genetics (formerly Invitae), Labcorp
Classification: Benign. Last evaluated: 2026-02-01. Review status: criteria provided, single submitter. Criteria: Invitae Variant Classification Sherloc (09022015). Collection method: clinical testing. Allele origin: germline.

Blueprint Genetics
Classification: Likely benign. Last evaluated: 2024-11-28. Review status: criteria provided, single submitter. Criteria: ACMG Guidelines, 2015. Collection method: clinical testing. Allele origin: germline.

ARUP Laboratories, Molecular Genetics and Genomics, ARUP Laboratories
Classification: Benign for Choroideremia. Last evaluated: 2023-06-28. Review status: criteria provided, single submitter. Criteria: ARUP Molecular Germline Variant Investigation Process 2024. Collection method: clinical testing. Allele origin: germline.

GeneDx
Classification: Benign. Last evaluated: 2015-04-29. Review status: criteria provided, single submitter. Criteria: GeneDx Variant Classification (06012015). Collection method: clinical testing. Allele origin: germline. Affected: yes.
Comment: This variant is considered likely benign or benign based on one or more of the following criteria: it is a conservative change, it occurs at a poorly conserved position in the protein, it is predicted to be benign by multiple in silico algorithms, and/or has population frequency not consistent with disease.

Breakthrough Genomics
Classification: Benign. Review status: criteria provided, single submitter. Criteria: ACMG Guidelines, 2015. Collection method: not provided. Allele origin: germline. Inheritance: X-linked inheritance. Affected: yes.

Natera, Inc.
Classification: Benign for Choroideremia. Last evaluated: 2020-09-16. Review status: no assertion criteria provided. Collection method: clinical testing. Allele origin: germline. Not counted in ClinVar's aggregate classification.

Dr. Peter K. Rogan Lab, Western University
No classification provided (evidence only). Condition: Clear cell carcinoma of kidney. Review status: no classification provided. Collection method: in vitro. Allele origin: not applicable. Functional consequence: retained intron. Not counted in ClinVar's aggregate classification.

Dr. Peter K. Rogan Lab, Western University
No classification provided (evidence only). Condition: Lung cancer. Review status: no classification provided. Collection method: in vitro. Allele origin: not applicable. Functional consequence: retained intron. Not counted in ClinVar's aggregate classification.

Dr. Peter K. Rogan Lab, Western University
No classification provided (evidence only). Condition: Melanoma. Review status: no classification provided. Collection method: in vitro. Allele origin: not applicable. Functional consequence: retained intron. Not counted in ClinVar's aggregate classification.

Dr. Peter K. Rogan Lab, Western University
No classification provided (evidence only). Condition: Acute myeloid leukemia. Review status: no classification provided. Collection method: in vitro. Allele origin: not applicable. Functional consequence: retained intron. Not counted in ClinVar's aggregate classification.

Dr. Peter K. Rogan Lab, Western University
No classification provided (evidence only). Condition: Acute myeloid leukemia. Review status: no classification provided. Collection method: in vitro. Allele origin: not applicable. Functional consequence: retained intron. Not counted in ClinVar's aggregate classification.

Dr. Peter K. Rogan Lab, Western University
No classification provided (evidence only). Condition: Thyroid cancer, nonmedullary, 1. Review status: no classification provided. Collection method: in vitro. Allele origin: not applicable. Functional consequence: retained intron. Not counted in ClinVar's aggregate classification.

Dr. Peter K. Rogan Lab, Western University
No classification provided (evidence only). Condition: Thyroid cancer, nonmedullary, 1. Review status: no classification provided. Collection method: in vitro. Allele origin: not applicable. Functional consequence: retained intron. Not counted in ClinVar's aggregate classification.

Dr. Peter K. Rogan Lab, Western University
No classification provided (evidence only). Condition: Hepatocellular carcinoma. Review status: no classification provided. Collection method: in vitro. Allele origin: not applicable. Functional consequence: retained intron. Not counted in ClinVar's aggregate classification.

Dr. Peter K. Rogan Lab, Western University
No classification provided (evidence only). Condition: Hepatocellular carcinoma. Review status: no classification provided. Collection method: in vitro. Allele origin: not applicable. Functional consequence: retained intron. Not counted in ClinVar's aggregate classification.

Dr. Peter K. Rogan Lab, Western University
No classification provided (evidence only). Condition: Hepatocellular carcinoma. Review status: no classification provided. Collection method: in vitro. Allele origin: not applicable. Functional consequence: retained intron. Not counted in ClinVar's aggregate classification.

Dr. Peter K. Rogan Lab, Western University
No classification provided (evidence only). Condition: Thymoma. Review status: no classification provided. Collection method: in vitro. Allele origin: not applicable. Functional consequence: retained intron. Not counted in ClinVar's aggregate classification.

Dr. Peter K. Rogan Lab, Western University
No classification provided (evidence only). Condition: Ovarian serous cystadenocarcinoma. Review status: no classification provided. Collection method: in vitro. Allele origin: not applicable. Functional consequence: retained intron. Not counted in ClinVar's aggregate classification.

Dr. Peter K. Rogan Lab, Western University
No classification provided (evidence only). Condition: Ovarian serous cystadenocarcinoma. Review status: no classification provided. Collection method: in vitro. Allele origin: not applicable. Functional consequence: retained intron. Not counted in ClinVar's aggregate classification.

Dr. Peter K. Rogan Lab, Western University
No classification provided (evidence only). Condition: Gastric cancer. Review status: no classification provided. Collection method: in vitro. Allele origin: not applicable. Functional consequence: retained intron. Not counted in ClinVar's aggregate classification.

NM_000390.4(CHM):c.265A>T (p.Ser89Cys)

Gene: CHM (CHM Rab escort protein; minus strand). Cytogenetic location: Xq21.2.
Variant type: single nucleotide variant.
Coding change: c.265A>T on transcript NM_000390.4 (MANE Select); coding-DNA position 265, A replaced by T.
Protein change: p.Ser89Cys; replaces serine 89 with cysteine.
Molecular consequence: missense variant. On other transcripts: 5 prime UTR variant (4).
Genome position (GRCh38, 1-based): chrX:85,978,816, T>A on the plus strand (A>T on the coding strand, the complement: CHM is on the minus strand). VCF-style: chrX-85978816-T-A. GRCh37 (hg19) VCF-style: chrX-85233820-T-A.
Other names: c.265A>T (LRG_699t1); c.265A>T, p.Ser89Cys (NM_001145414.4); c.-180A>T (NM_001320959.1, NM_001362517.1); c.-176A>T (NM_001362518.2, NM_001362519.1); short protein forms S89C.
Identifiers: ClinVar variation 377662 (VCV000377662.22), dbSNP rs145707160, ClinGen allele CA10465618.
Genomic context (GRCh38, chrX:85,978,816, plus strand): 5'-ACTTTTCATACCTGGCATAACAAAATACTTCCACATGTTGAATAGTTTTGTCCTTCCTGC[T>A]AAGAGCAATGGCTTCTTCATTTTCAAGGATCTGGTCTTGCCACACTGGACTGTCACTTAC-3'
Protein context (NP_000381.1, residues 79-99): ILENEEAIAL[Ser89Cys]RKDKTIQHVE